The following is an entry in ClinVar:

ClinVar aggregate classification (germline): Uncertain significance (1 of 4 stars; one submission).

Conditions:
Hereditary cancer-predisposing syndrome. Also called: Tumor predisposition; Hereditary neoplastic syndrome; Hereditary Cancer Syndrome; Neoplastic Syndromes, Hereditary. Identifiers: Orphanet 140162, MedGen C0027672, MeSH D009386, MONDO:0015356.

Submission:

Ambry Genetics
Classification: Uncertain significance for Hereditary cancer-predisposing syndrome. Last evaluated: 2025-05-11. Review status: criteria provided, single submitter. Criteria: Ambry Variant Classification Scheme 2023. Collection method: clinical testing. Allele origin: germline.
Comment: The p.T190A variant (also known as c.568A>G), located in coding exon 3 of the PHOX2B gene, results from an A to G substitution at nucleotide position 568. The threonine at codon 190 is replaced by alanine, an amino acid with similar properties. This amino acid position is conserved. In addition, this alteration is predicted to be tolerated by in silico analysis. Based on the available evidence, the clinical significance of this variant remains unclear.

NM_003924.4(PHOX2B):c.568A>G (p.Thr190Ala)

Gene: PHOX2B (paired like homeobox 2B; minus strand). Cytogenetic location: 4p13.
Variant type: single nucleotide variant.
Coding change: c.568A>G on transcript NM_003924.4 (MANE Select); coding-DNA position 568, A replaced by G.
Protein change: p.Thr190Ala; replaces threonine 190 with alanine.
Molecular consequence: missense variant.
Genome position (GRCh38, 1-based): chr4:41,746,184, T>C on the plus strand (A>G on the coding strand, the complement: PHOX2B is on the minus strand). VCF-style: chr4-41746184-T-C. GRCh37 (hg19) VCF-style: chr4-41748201-T-C.
Other names: short protein forms T190A.
Identifiers: ClinVar variation 3931853 (VCV003931853.1).